The following is an entry in ClinVar:

NM_194454.3(KRIT1):c.1371_1372del (p.Gln458fs)

Gene: KRIT1 (KRIT1 ankyrin repeat containing; minus strand). Cytogenetic location: 7q21.2.
Variant type: Deletion.
Coding change: c.1371_1372del on transcript NM_194454.3 (MANE Select); coding-DNA positions 1371 to 1372, 2 bases deleted (TC; older notation c.1371_1372delTC).
Protein change: p.Gln458fs; shifts the reading frame from glutamine 458.
Molecular consequence: frameshift variant.
Genome position (GRCh38, 1-based): chr7:92,222,861-92,222,862, GA deleted on the plus strand (TC on the coding strand, the reverse complement: KRIT1 is on the minus strand); deleting any 2 consecutive bases within chr7:92,222,861-92,222,863 gives the same sequence; the c. name uses the placement nearest the transcript's 3' end. VCF-style (leftmost placement, unchanged base first): chr7-92222860-TGA-T. GRCh37 (hg19) VCF-style: chr7-91852174-TGA-T.
Other names: c.1227_1228del, p.Gln410fs (NM_001013406.2, NM_001350669.1, NM_001350670.1); c.657_658del, p.Gln220fs (NM_001350671.1); c.1371_1372del, p.Gln458fs (NM_001350672.1, NM_001350673.1, NM_001350674.1 and 26 more transcripts); short protein forms Q220fs, Q410fs, Q458fs.
Identifiers: ClinVar variation 942171 (VCV000942171.8), dbSNP rs1795413179, ClinGen allele CA1139660115.
Genomic context (GRCh38, chr7:92,222,860, plus strand): 5'-AACATAATAAAAACTTTCTTACTGAGGTTTTCTGAACAAATCCATATAGTGAAATATTGC[TGA>T]GTTTCTTGAGAGAGACGCATTCCTTCCATTATCTGCTGCACTGTGGTATTATTTCCATGC-3'

ClinVar aggregate classification (germline): Pathogenic (1 of 4 stars; one submission).

Conditions:
Cerebral cavernous malformation (CCM). Also called: CAVERNOUS ANGIOMA, FAMILIAL; CAVERNOUS ANGIOMATOUS MALFORMATIONS; CEREBRAL CAPILLARY MALFORMATIONS; Cerebral cavernous hemangioma (type); Cavernous Hemangioma of Brain; Cerebral cavernous malformations. Identifiers: Orphanet 221061, MedGen C2919945, MONDO:0000820, OMIM 116860, HP:0033522.

Submission:

Labcorp Genetics (formerly Invitae), Labcorp
Classification: Pathogenic for Cerebral cavernous malformation. Last evaluated: 2019-06-05. Review status: criteria provided, single submitter. Criteria: Invitae Variant Classification Sherloc (09022015). Collection method: clinical testing. Allele origin: germline.
Comment: This sequence change creates a premature translational stop signal (p.Gln458Alafs*21) in the KRIT1 gene. It is expected to result in an absent or disrupted protein product. This variant is not present in population databases (ExAC no frequency). This variant has not been reported in the literature in individuals with KRIT1-related conditions. Loss-of-function variants in KRIT1 are known to be pathogenic (PMID: 10508515, 11222804, 12404106, 24689081). For these reasons, this variant has been classified as Pathogenic.

Literature cited by the submitters: PubMed 10508515; PubMed 11222804; PubMed 12404106; PubMed 24689081.